The following is an entry in ClinVar:

NM_031448.6(C19orf12):c.68C>T (p.Ala23Val)

Gene: C19orf12 (chromosome 19 open reading frame 12; minus strand). Cytogenetic location: 19q12.
Variant type: single nucleotide variant.
Coding change: c.68C>T on transcript NM_031448.6 (MANE Select); coding-DNA position 68, C replaced by T.
Protein change: p.Ala23Val; replaces alanine 23 with valine.
Molecular consequence: missense variant. On other transcripts: 5 prime UTR variant (1), intron variant (2).
Genome position (GRCh38, 1-based): chr19:29,708,346, G>A on the plus strand (C>T on the coding strand, the complement: C19orf12 is on the minus strand). VCF-style: chr19-29708346-G-A. GRCh37 (hg19) VCF-style: chr19-30199253-G-A.
Other names: c.68C>T, p.Ala23Val (NM_001031726.4, NM_001256046.3, NM_001256047.2); c.-246C>T (NM_001282931.3); c.-32-5369C>T (NM_001282929.1, NM_001282930.3); short protein forms A34V, A23V.
Identifiers: ClinVar variation 328731 (VCV000328731.41), dbSNP rs544395324, ClinGen allele CA9351991.

ClinVar aggregate classification (germline): Conflicting classifications of pathogenicity. Review status: criteria provided, conflicting classifications (1 of 4 stars). 6 submissions from 6 submitters: Uncertain significance (5); Likely benign (1). Last evaluated 2024-07-05.

Conditions:
Hereditary spastic paraplegia 43. Also called: Spastic paraplegia 43, autosomal recessive. Identifiers: Orphanet 320370, MedGen C2680446, MONDO:0014024, OMIM 615043.
Neurodegeneration with brain iron accumulation 4 (NBIA4). Also called: MITOCHONDRIAL PROTEIN-ASSOCIATED NEURODEGENERATION. Identifiers: Orphanet 289560, MedGen C3280371, MONDO:0013674, OMIM 614298. Disease mechanism: loss of function.

Allele frequency attached by ClinVar (database versions not stated): gnomAD exomes 0.00004 and 0.00005; TOPMed 0.00004; ExAC 0.00005; gnomAD 0.00005 and 0.00007; 1000 Genomes Project 30x 0.00016; 1000 Genomes Project 0.00020.
gnomAD v4.1: 69 of 1,614,076 alleles (0.0043%); highest among the groups gnomAD compares: Middle Eastern, 0.099%; no homozygotes.

Submissions (6):

GeneDx
Classification: Uncertain significance. Last evaluated: 2024-07-05. Review status: criteria provided, single submitter. Criteria: GeneDx Variant Classification Process June 2021. Collection method: clinical testing. Allele origin: germline. Affected: yes.
Comment: In silico analysis indicates that this missense variant does not alter protein structure/function; This variant is associated with the following publications: (PMID: Kocaaga2022[article])

Labcorp Genetics (formerly Invitae), Labcorp
Classification: Uncertain significance for Hereditary spastic paraplegia 43. Last evaluated: 2024-04-13. Review status: criteria provided, single submitter. Criteria: Invitae Variant Classification Sherloc (09022015). Collection method: clinical testing. Allele origin: germline.
Comment: This sequence change replaces alanine, which is neutral and non-polar, with valine, which is neutral and non-polar, at codon 34 of the C19orf12 protein (p.Ala34Val). This variant is present in population databases (rs544395324, gnomAD 0.02%). This variant has not been reported in the literature in individuals affected with C19orf12-related conditions. ClinVar contains an entry for this variant (Variation ID: 328731). An algorithm developed to predict the effect of missense changes on protein structure and function (PolyPhen-2) suggests that this variant is likely to be tolerated. In summary, the available evidence is currently insufficient to determine the role of this variant in disease. Therefore, it has been classified as a Variant of Uncertain Significance.

Blueprint Genetics
Classification: Uncertain significance. Last evaluated: 2024-02-05. Review status: criteria provided, single submitter. Criteria: ACMG Guidelines, 2015. Collection method: clinical testing. Allele origin: germline.

Revvity Omics, Revvity
Classification: Uncertain significance. Last evaluated: 2023-06-01. Review status: criteria provided, single submitter. Criteria: ACMG Guidelines, 2015. Collection method: clinical testing. Allele origin: germline.

CeGaT Center for Human Genetics Tuebingen
Classification: Likely benign. Last evaluated: 2022-07-01. Review status: criteria provided, single submitter. Criteria: CeGaT Center For Human Genetics Tuebingen Variant Classification Criteria Version 2. Collection method: clinical testing. Allele origin: germline. Affected: yes. Observed: 1 variant allele.
Comment: C19orf12: BP4

Illumina Laboratory Services, Illumina
Classification: Uncertain significance for Neurodegeneration with brain iron accumulation 4. Last evaluated: 2018-01-12. Review status: criteria provided, single submitter. Criteria: ICSL Variant Classification Criteria 13 December 2019. Collection method: clinical testing. Allele origin: germline.